The following is an entry in ClinVar:

ClinVar aggregate classification (germline): Conflicting classifications of pathogenicity. Review status: criteria provided, conflicting classifications (1 of 4 stars). 16 submissions from 16 submitters: Uncertain significance (6); Benign (5); Likely benign (4). 1 of the submissions does not count toward it. Last evaluated 2026-02-02.

Conditions:
Hereditary cancer-predisposing syndrome. Also called: Neoplastic Syndromes, Hereditary; Tumor predisposition; Hereditary Cancer Syndrome; Hereditary neoplastic syndrome. Identifiers: Orphanet 140162, MedGen C0027672, MeSH D009386, MONDO:0015356.
Nijmegen breakage syndrome-like disorder (NBSLD). Also called: MICROCEPHALY AND SPONTANEOUS CHROMOSOME INSTABILITY WITHOUT IMMUNODEFICIENCY; NBS-LIKE DISORDER; RAD50 DEFICIENCY. Identifiers: Orphanet 240760, MedGen C2751318, MONDO:0013118, OMIM 613078.

Allele frequency attached by ClinVar (database versions not stated): 1000 Genomes Project 30x 0.00031; 1000 Genomes Project 0.00040; ESP Exome Variant Server 0.00062; TOPMed 0.00068; gnomAD 0.00078 and 0.00079; ExAC 0.00100; gnomAD exomes 0.00139.
gnomAD v4.1: 1,212 of 1,613,382 alleles (0.075%); highest among the groups gnomAD compares: Middle Eastern, 1.5%; 7 homozygotes.

Submissions (21):

Labcorp Genetics (formerly Invitae), Labcorp
Classification: Benign for Hereditary cancer-predisposing syndrome. Last evaluated: 2026-02-02. Review status: criteria provided, single submitter. Criteria: Invitae Variant Classification Sherloc (09022015). Collection method: clinical testing. Allele origin: germline.

CeGaT Center for Human Genetics Tuebingen
Classification: Benign. Last evaluated: 2025-07-01. Review status: criteria provided, single submitter. Criteria: CeGaT Center For Human Genetics Tuebingen Variant Classification Criteria Version 2. Collection method: clinical testing. Allele origin: germline. Affected: yes. Observed: 2 variant alleles.
Comment: RAD50: BP4, BS1, BS2

Blueprint Genetics
Classification: Likely benign. Last evaluated: 2024-11-12. Review status: criteria provided, single submitter. Criteria: ACMG Guidelines, 2015. Collection method: clinical testing. Allele origin: germline.

Department of Genetics, Sultan Qaboos University Hospital
Classification: Benign for Nijmegen breakage syndrome-like disorder. Last evaluated: 2024-06-12. Review status: criteria provided, single submitter. Criteria: ACMG Guidelines, 2015. Collection method: curation. Allele origin: unknown. Affected: yes.

Quest Diagnostics Nichols Institute San Juan Capistrano
Classification: Likely benign. Last evaluated: 2022-09-26. Review status: criteria provided, single submitter. Criteria: Quest Diagnostics criteria. Collection method: clinical testing. Allele origin: unknown.

Ambry Genetics
Classification: Likely benign for Hereditary cancer-predisposing syndrome. Last evaluated: 2021-11-04. Review status: criteria provided, single submitter. Criteria: Ambry Variant Classification Scheme 2023. Collection method: clinical testing. Allele origin: germline.

Sema4
Classification: Benign for Nijmegen breakage syndrome-like disorder. Last evaluated: 2020-08-10. Review status: criteria provided, single submitter. Criteria: Sema4 Curation Guidelines. Collection method: curation. Allele origin: germline.

Mendelics
Classification: Benign for Nijmegen breakage syndrome-like disorder. Last evaluated: 2019-05-28. Review status: criteria provided, single submitter. Criteria: Mendelics Assertion Criteria 2017. Collection method: clinical testing. Allele origin: unknown.

GeneKor MSA
Classification: Uncertain significance for Hereditary cancer-predisposing syndrome. Last evaluated: 2018-08-01. Review status: criteria provided, single submitter. Criteria: ACMG Guidelines, 2015. Collection method: clinical testing. Allele origin: germline.

Women's Health and Genetics/Laboratory Corporation of America, LabCorp
Classification: Likely benign. Last evaluated: 2017-11-20. Review status: criteria provided, single submitter. Criteria: LabCorp Variant Classification Summary - May 2015. Collection method: clinical testing. Allele origin: germline.
Comment: Variant summary: The RAD50 c.3036+5G>A variant involves the alteration of a non-conserved intronic nucleotide. One in silico tool predicts a polymorphism outcome for this variant. 5/5 splice prediction tools predict a weakening effect on the canonical splicing donor site and 3/5 predict loss of a cryptic splicing donor site at the nucleotide of interest. However, these predictions have yet to be confirmed by functional studies. This variant was found in 352/276630 control chromosomes, predominantly observed in the Ashkenazi Jewish subpopulation at a frequency of 0.013132 (133/10128). This frequency is about 210 times the estimated maximal expected allele frequency of a pathogenic RAD50 variant (0.0000625), suggesting this is likely a benign polymorphism found primarily in the populations of Ashkenazi Jewish origin. This variant has been reported in affected individuals without strong evidence for causality. In addition, multiple clinical diagnostic laboratories/reputable databases classified this variant as likely benign/VUS, all without evidence for independent evaluation. Taken together, this variant is currently classified as likely benign.

Center for Pediatric Genomic Medicine, Children's Mercy Hospital and Clinics
Classification: Uncertain significance. Last evaluated: 2017-09-05. Review status: criteria provided, single submitter. Criteria: ACMG Guidelines, 2015. Collection method: clinical testing. Allele origin: germline.

GeneDx
Classification: Uncertain significance. Last evaluated: 2017-08-10. Review status: criteria provided, single submitter. Criteria: GeneDx Variant Classification (06012015). Collection method: clinical testing. Allele origin: germline. Affected: yes.
Comment: RAD50 has been only recently described in association with cancer predisposition and the risks are not well understood. This variant is denoted RAD50 IVS19+5G>A, or c.3036+5G>A and consists of a G>A nucleotide substitution at the +5 position of intron 19 of the RAD50 gene. This variant has not, to our knowledge, been published in the literature as pathogenic or benign. RAD50 3036+5G>A occurs at a position that is well conserved throughout evolution. This particular nucleotide substitution was observed in multiple subpopulations, with the highest allele frequency of 0.09% (8/8588) in European Americans in the NHLBI Exome Sequencing Project. Multiple in silico splicing models predict a reduced likelihood that the nearby canonical donor splice site is utilized. At the molecular level, the impact of this missense variant on protein structure and function is not known and we consider this to be a variant of uncertain significance. Futhermore, based on the currently available information, cancer risks associated with this variant, and the RAD50 gene, remain unclear.

Genetic Services Laboratory, University of Chicago
Classification: Uncertain significance. Last evaluated: 2016-06-24. Review status: criteria provided, single submitter. Criteria: ACMG Guidelines, 2015. Collection method: clinical testing. Allele origin: germline. Affected: no.

Vantari Genetics
Classification: Uncertain significance for Hereditary cancer-predisposing syndrome. Last evaluated: 2016-01-06. Review status: criteria provided, single submitter. Criteria: ACMG Guidelines, 2015. Collection method: clinical testing. Allele origin: germline.

Genomic Diagnostic Laboratory, Division of Genomic Diagnostics, Children's Hospital of Philadelphia
Classification: Uncertain significance. Last evaluated: 2015-03-06. Review status: criteria provided, single submitter. Criteria: DGD Variant Analysis Guidelines. Collection method: clinical testing. Allele origin: unknown.

Counsyl
Classification: Uncertain significance for Nijmegen breakage syndrome-like disorder. Last evaluated: 2016-09-13. Review status: no assertion criteria provided. Collection method: clinical testing. Allele origin: unknown. Not counted in ClinVar's aggregate classification.

Dr. Peter K. Rogan Lab, Western University
No classification provided (evidence only). Condition: Acute myeloid leukemia. Review status: no classification provided. Collection method: in vitro. Allele origin: not applicable. Functional consequence: retained intron. Not counted in ClinVar's aggregate classification.

Dr. Peter K. Rogan Lab, Western University
No classification provided (evidence only). Condition: Cervical cancer. Review status: no classification provided. Collection method: in vitro. Allele origin: not applicable. Functional consequence: skipped exon. Not counted in ClinVar's aggregate classification.

Dr. Peter K. Rogan Lab, Western University
No classification provided (evidence only). Condition: Sarcoma. Review status: no classification provided. Collection method: in vitro. Allele origin: not applicable. Functional consequence: skipped exon. Not counted in ClinVar's aggregate classification.

Dr. Peter K. Rogan Lab, Western University
No classification provided (evidence only). Condition: Nonpapillary renal cell carcinoma. Review status: no classification provided. Collection method: in vitro. Allele origin: not applicable. Functional consequence: retained intron. Not counted in ClinVar's aggregate classification.

Dr. Peter K. Rogan Lab, Western University
No classification provided (evidence only). Condition: Lymphoma. Review status: no classification provided. Collection method: in vitro. Allele origin: not applicable. Functional consequence: retained intron. Not counted in ClinVar's aggregate classification.

Literature cited by the submitters: PubMed 31159747 (cited by Quest Diagnostics Nichols Institute San Juan Capistrano); PubMed 26787654 (cited by Quest Diagnostics Nichols Institute San Juan Capistrano and Counsyl); PubMed 25117502 (cited by 3 submitters); PubMed 24549055 (cited by 3 submitters); PubMed 24853695 (cited by Women's Health and Genetics/Laboratory Corporation of America, LabCorp).

NM_005732.4(RAD50):c.3036+5G>A

Gene: RAD50 (RAD50 double strand break repair protein; plus strand). Cytogenetic location: 5q31.1.
Variant type: single nucleotide variant.
Coding change: c.3036+5G>A on transcript NM_005732.4 (MANE Select); 5 bases into the intron after coding-DNA position 3036, G replaced by A.
Molecular consequence: intron variant.
Genome position (GRCh38, 1-based): chr5:132,609,401, G>A. VCF-style: chr5-132609401-G-A. GRCh37 (hg19) VCF-style: chr5-131945093-G-A.
Other names: IVS19+5G>A.
Identifiers: ClinVar variation 37381 (VCV000037381.43), dbSNP rs181016343, ClinGen allele CA249347.
Genomic context (GRCh38, chr5:132,609,401, plus strand): 5'-AAGAAAAGATAAATGAAGATATGAGACTCATGAGACAAGATATTGATACACAGAAGGTAG[G>A]TCTGTTTTGCTTATGATATCACTTACACCTATGACATTCTTTTCTATAGTTTTATTTTCA-3'